The following is an entry in ClinVar:

ClinVar aggregate classification (germline): Uncertain significance (1 of 4 stars; one submission).

Allele frequency attached by ClinVar (database versions not stated): gnomAD exomes below 0.00001; TOPMed 0.00001.
gnomAD v4.1: 3 of 1,613,760 alleles (0.00019%); highest among the groups gnomAD compares: Non-Finnish European, 0.00025%; no homozygotes.

Submission:

GeneDx
Classification: Uncertain significance. Last evaluated: 2022-10-14. Review status: criteria provided, single submitter. Criteria: GeneDx Variant Classification Process June 2021. Collection method: clinical testing. Allele origin: germline. Affected: yes.
Comment: Not observed at significant frequency in large population cohorts (gnomAD); In silico analysis supports that this missense variant does not alter protein structure/function; Has not been previously published as pathogenic or benign to our knowledge

NM_006015.6(ARID1A):c.4234C>G (p.Pro1412Ala)

Gene: ARID1A (AT-rich interaction domain 1A; plus strand). Cytogenetic location: 1p36.11.
Variant type: single nucleotide variant.
Coding change: c.4234C>G on transcript NM_006015.6 (MANE Select); coding-DNA position 4234, C replaced by G.
Protein change: p.Pro1412Ala; replaces proline 1412 with alanine.
Molecular consequence: missense variant. On other transcripts: intron variant (1).
Genome position (GRCh38, 1-based): chr1:26,774,461, C>G. VCF-style: chr1-26774461-C-G. GRCh37 (hg19) VCF-style: chr1-27100952-C-G.
Other names: c.4102-519C>G (NM_139135.4); short protein forms P1412A.
Identifiers: ClinVar variation 2499231 (VCV002499231.1), dbSNP rs2081114702, ClinGen allele CA339173734.